The following is an entry in ClinVar:

NM_138691.3(TMC1):c.741+1G>A

Gene: TMC1 (transmembrane channel like 1; plus strand). Cytogenetic location: 9q21.13.
Variant type: single nucleotide variant.
Coding change: c.741+1G>A on transcript NM_138691.3 (MANE Select); the canonical splice donor site of the intron after coding-DNA position 741, G replaced by A.
Molecular consequence: splice donor variant.
Genome position (GRCh38, 1-based): chr9:72,754,885, G>A. VCF-style: chr9-72754885-G-A. GRCh37 (hg19) VCF-style: chr9-75369801-G-A.
Identifiers: ClinVar variation 666986 (VCV000666986.8), dbSNP rs1588067173, ClinGen allele CA373498700.

ClinVar aggregate classification (germline): Pathogenic/Likely pathogenic. Review status: criteria provided, multiple submitters, no conflicts (2 of 4 stars). 3 submissions from 3 submitters: Pathogenic (2); Likely pathogenic (1). Last evaluated 2025-04-14.

Conditions:
Rare genetic deafness. Identifiers: Orphanet 96210, MedGen C5680250.
Autosomal recessive nonsyndromic hearing loss 7. Also called: DEAFNESS, AUTOSOMAL RECESSIVE 11. Identifiers: Orphanet 90636, MedGen C1832978, MONDO:0010967, OMIM 600974.

Allele frequency attached by ClinVar (database versions not stated): gnomAD exomes below 0.00001.
gnomAD v4.1: 3 of 1,610,286 alleles (0.00019%); highest among the groups gnomAD compares: Middle Eastern, 0.017%; no homozygotes.

Submissions (3):

Labcorp Genetics (formerly Invitae), Labcorp
Classification: Pathogenic. Last evaluated: 2025-04-14. Review status: criteria provided, single submitter. Criteria: Invitae Variant Classification Sherloc (09022015). Collection method: clinical testing. Allele origin: germline.
Comment: This sequence change affects a donor splice site in intron 12 of the TMC1 gene. It is expected to disrupt RNA splicing. Variants that disrupt the donor or acceptor splice site typically lead to a loss of protein function (PMID: 16199547), and loss-of-function variants in TMC1 are known to be pathogenic (PMID: 11850618, 22105175). This variant is not present in population databases (gnomAD no frequency). Disruption of this splice site has been observed in individual(s) with autosomal recessive deafness (PMID: 26445815; internal data). In at least one individual the data is consistent with being in trans (on the opposite chromosome) from a pathogenic variant. ClinVar contains an entry for this variant (Variation ID: 666986). Algorithms developed to predict the effect of sequence changes on RNA splicing suggest that this variant may disrupt the consensus splice site. For these reasons, this variant has been classified as Pathogenic.

Laboratory for Molecular Medicine, Mass General Brigham Personalized Medicine
Classification: Likely pathogenic for Rare genetic deafness. Last evaluated: 2018-10-10. Review status: criteria provided, single submitter. Criteria: LMM Criteria. Collection method: clinical testing. Allele origin: germline. Inheritance: Autosomal recessive inheritance. Observed: 1 variant allele.
Comment: The c.741+1G>A variant in TMC1 has been previously reported in at least 1 indivi dual with hearing loss (Sloan-Heggen 2015), and was absent from large population studies. This variant occurs in the canonical splice site (+/- 1,2) of the spli ce consensus sequence and is predicted to cause altered splicing leading to an a bnormal or absent protein. Loss of function of the TMC1 gene is an established d isease mechanism in autosomal recessive hearing loss. In summary, although addit ional studies are required to fully establish its clinical significance, this va riant meets criteria to be classified as likely pathogenic for autosomal recessi ve sensorineural hearing loss. ACMG/AMP Criteria applied: PVS1_Strong, PM2.

Genetics Research Center, University of Social Welfare and Rehabilitation Sciences
Classification: Pathogenic for Autosomal recessive nonsyndromic hearing loss 7. Review status: criteria provided, single submitter. Criteria: ACMG Guidelines, 2015. Collection method: research. Allele origin: germline. Affected: yes.
Comment: The variant is not present in the gnomAD v2.1.1 dataset and has been previously reported in individual(s) affected with TMC1-related hearing loss (PMID:26445815). RNA splicing prediction tools suggest that this variant may cause an aberrant splice site leading to an abnormal or absent protein.

Literature cited by the submitters: PubMed 16199547 (cited by Labcorp Genetics (formerly Invitae), Labcorp); PubMed 11850618 (cited by Labcorp Genetics (formerly Invitae), Labcorp); PubMed 22105175 (cited by Labcorp Genetics (formerly Invitae), Labcorp); PubMed 26445815 (cited by 3 submitters).